The following is an entry in ClinVar:

NM_005502.4(ABCA1):c.5475C>A (p.Asn1825Lys)

Gene: ABCA1 (ATP binding cassette subfamily A member 1; minus strand). Cytogenetic location: 9q31.1.
Variant type: single nucleotide variant.
Coding change: c.5475C>A on transcript NM_005502.4 (MANE Select); coding-DNA position 5475, C replaced by A.
Protein change: p.Asn1825Lys; replaces asparagine 1825 with lysine.
Molecular consequence: missense variant.
Genome position (GRCh38, 1-based): chr9:104,794,418, G>T on the plus strand (C>A on the coding strand, the complement: ABCA1 is on the minus strand). VCF-style: chr9-104794418-G-T. GRCh37 (hg19) VCF-style: chr9-107556699-G-T.
Other names: short protein forms N1825K.
Identifiers: ClinVar variation 1747761 (VCV001747761.2), dbSNP rs2538057774, ClinGen allele CA374312833.

ClinVar aggregate classification (germline): Uncertain significance (1 of 4 stars; one submission).

Conditions:
Cardiovascular phenotype. Identifiers: MedGen CN230736.

Allele frequency attached by ClinVar (database versions not stated): gnomAD exomes below 0.00001.
gnomAD v4.1: 4 of 1,605,850 alleles (0.00025%); highest among the groups gnomAD compares: Non-Finnish European, 0.00034%; no homozygotes.

Submission:

Ambry Genetics
Classification: Uncertain significance for Cardiovascular phenotype. Last evaluated: 2021-08-22. Review status: criteria provided, single submitter. Criteria: Ambry Variant Classification Scheme 2023. Collection method: clinical testing. Allele origin: germline.
Comment: The p.N1825K variant (also known as c.5475C>A), located in coding exon 39 of the ABCA1 gene, results from a C to A substitution at nucleotide position 5475. The asparagine at codon 1825 is replaced by lysine, an amino acid with similar properties. This amino acid position is conserved. In addition, the in silico prediction for this alteration is inconclusive. Since supporting evidence is limited at this time, the clinical significance of this alteration remains unclear.